The following is an entry in ClinVar:

NM_001190274.2(FBXO11):c.1342C>T (p.Arg448Trp)

Gene: FBXO11 (F-box protein 11; minus strand). Cytogenetic location: 2p16.3.
Variant type: single nucleotide variant.
Coding change: c.1342C>T on transcript NM_001190274.2 (MANE Select); coding-DNA position 1342, C replaced by T.
Protein change: p.Arg448Trp; replaces arginine 448 with tryptophan.
Molecular consequence: missense variant.
Genome position (GRCh38, 1-based): chr2:47,832,405, G>A on the plus strand (C>T on the coding strand, the complement: FBXO11 is on the minus strand). VCF-style: chr2-47832405-G-A. GRCh37 (hg19) VCF-style: chr2-48059544-G-A.
Other names: c.1090C>T, p.Arg364Trp (NM_001374325.1, NM_025133.4); short protein forms R364W, R448W.
Identifiers: ClinVar variation 1943427 (VCV001943427.5), dbSNP rs749297387, ClinGen allele CA1649865.

ClinVar aggregate classification (germline): Uncertain significance (1 of 4 stars; one submission).

Allele frequency attached by ClinVar (database versions not stated): TOPMed below 0.00001.
gnomAD v4.1: 1 of 1,613,332 alleles (0.000062%); highest among the groups gnomAD compares: Non-Finnish European, 0.000085%; no homozygotes.

Submission:

Labcorp Genetics (formerly Invitae), Labcorp
Classification: Uncertain significance. Last evaluated: 2022-02-03. Review status: criteria provided, single submitter. Criteria: Invitae Variant Classification Sherloc (09022015). Collection method: clinical testing. Allele origin: germline.
Comment: This sequence change replaces arginine, which is basic and polar, with tryptophan, which is neutral and slightly polar, at codon 448 of the FBXO11 protein (p.Arg448Trp). This variant is present in population databases (rs749297387, gnomAD 0.0009%). This variant has not been reported in the literature in individuals affected with FBXO11-related conditions. Algorithms developed to predict the effect of missense changes on protein structure and function are either unavailable or do not agree on the potential impact of this missense change (SIFT: "Deleterious"; PolyPhen-2: "Possibly Damaging"; Align-GVGD: "Class C0"). In summary, the available evidence is currently insufficient to determine the role of this variant in disease. Therefore, it has been classified as a Variant of Uncertain Significance.